The following is an entry in ClinVar:

ClinVar aggregate classification (germline): Uncertain significance (1 of 4 stars; one submission).

Submission:

Labcorp Genetics (formerly Invitae), Labcorp
Classification: Uncertain significance. Last evaluated: 2022-02-04. Review status: criteria provided, single submitter. Criteria: Invitae Variant Classification Sherloc (09022015). Collection method: clinical testing. Allele origin: germline.
Comment: In summary, the available evidence is currently insufficient to determine the role of this variant in disease. Therefore, it has been classified as a Variant of Uncertain Significance. Experimental studies and prediction algorithms are not available or were not evaluated, and the functional significance of this variant is currently unknown. ClinVar contains an entry for this variant (Variation ID: 1023876). This variant has been observed in individual(s) with trichohepatoenteric syndrome (PMID: 25688341). In at least one individual the data is consistent with being in trans (on the opposite chromosome) from a pathogenic variant. This variant is not present in population databases (gnomAD no frequency). This variant, c.4336_4338dup, results in the insertion of 1 amino acid(s) of the TTC37 protein (p.Leu1446dup), but otherwise preserves the integrity of the reading frame.

Literature cited by the submitters: PubMed 25688341.

NM_014639.4(SKIC3):c.4336_4338dup (p.Leu1446dup)

Gene: SKIC3 (SKI3 subunit of superkiller complex; minus strand). Cytogenetic location: 5q15.
Variant type: Duplication.
Coding change: c.4336_4338dup on transcript NM_014639.4 (MANE Select); coding-DNA positions 4336 to 4338, 3 bases duplicated (CTA; older notation c.4336_4338dupCTA).
Protein change: p.Leu1446dup; duplicates leucine 1446.
Molecular consequence: inframe insertion.
Genome position (GRCh38, 1-based): chr5:95,478,317-95,478,319, TAG duplicated on the plus strand (CTA on the coding strand, the reverse complement: SKIC3 is on the minus strand); duplicating any 3 consecutive bases within chr5:95,478,317-95,478,320 gives the same sequence; the c. name uses the placement nearest the transcript's 3' end. VCF-style (leftmost placement, unchanged base first): chr5-95478316-C-CTAG. GRCh37 (hg19) VCF-style: chr5-94814020-C-CTAG.
Identifiers: ClinVar variation 1023876 (VCV001023876.8), dbSNP rs1746308897, ClinGen allele CA1565008297.